The following is an entry in ClinVar:

NM_006514.4(SCN10A):c.3618G>A (p.Val1206=)

Gene: SCN10A (sodium voltage-gated channel alpha subunit 10; minus strand). Cytogenetic location: 3p22.2.
Variant type: single nucleotide variant.
Coding change: c.3618G>A on transcript NM_006514.4 (MANE Select); coding-DNA position 3618, G replaced by A.
Protein change: p.Val1206=; no amino-acid change (valine 1206 retained).
Molecular consequence: synonymous variant.
Genome position (GRCh38, 1-based): chr3:38,718,716, C>T on the plus strand (G>A on the coding strand, the complement: SCN10A is on the minus strand). VCF-style: chr3-38718716-C-T. GRCh37 (hg19) VCF-style: chr3-38760207-C-T.
Other names: c.3615G>A, p.Val1205= (NM_001293306.2); c.3324G>A, p.Val1108= (NM_001293307.2).
Identifiers: ClinVar variation 390310 (VCV000390310.1), dbSNP rs1057523717, ClinGen allele CA16604582.

ClinVar aggregate classification (germline): Likely benign (1 of 4 stars; one submission).

Submission:

GeneDx
Classification: Likely benign. Last evaluated: 2016-10-26. Review status: criteria provided, single submitter. Criteria: GeneDx Variant Classification (06012015). Collection method: clinical testing. Allele origin: germline. Affected: yes.
Comment: This variant is considered likely benign or benign based on one or more of the following criteria: it is a conservative change, it occurs at a poorly conserved position in the protein, it is predicted to be benign by multiple in silico algorithms, and/or has population frequency not consistent with disease.